The following is an entry in ClinVar:

ClinVar aggregate classification (germline): Pathogenic. Review status: criteria provided, multiple submitters, no conflicts (2 of 4 stars). 2 submissions from 2 submitters: Pathogenic (2). Last evaluated 2025-02-16.

Conditions:
Neurofibromatosis, type 1 (NF1). Also called: VON RECKLINGHAUSEN DISEASE; Peripheral type neurofibromatosis; Neurofibromatosis, type I; NEUROFIBROMATOSIS, TYPE I, SOMATIC. Identifiers: Orphanet 636, MedGen C0027831, MONDO:0018975, OMIM 162200. Disease mechanism: loss of function.

Submissions (2):

Laboratory of Genetics, Children's Clinical University Hospital Latvia
Classification: Pathogenic. Last evaluated: 2025-02-16. Review status: criteria provided, single submitter. Criteria: ACMG Guidelines, 2015. Collection method: clinical testing. Allele origin: germline. Affected: yes.

Labcorp Genetics (formerly Invitae), Labcorp
Classification: Pathogenic for Neurofibromatosis, type 1. Last evaluated: 2021-08-10. Review status: criteria provided, single submitter. Criteria: Invitae Variant Classification Sherloc (09022015). Collection method: clinical testing. Allele origin: germline.
Comment: This sequence change creates a premature translational stop signal (p.Leu1780*) in the NF1 gene. It is expected to result in an absent or disrupted protein product. Loss-of-function variants in NF1 are known to be pathogenic (PMID: 10712197, 23913538). This variant is not present in population databases (ExAC no frequency). This premature translational stop signal has been observed in individual(s) with neurofibromatosis type 1 (PMID: 15146469). For these reasons, this variant has been classified as Pathogenic.

Literature cited by the submitters: PubMed 10712197 (cited by Labcorp Genetics (formerly Invitae), Labcorp); PubMed 23913538 (cited by Labcorp Genetics (formerly Invitae), Labcorp); PubMed 15146469 (cited by Labcorp Genetics (formerly Invitae), Labcorp).

NM_001042492.3(NF1):c.5402T>G (p.Leu1801Ter)

Gene: NF1 (neurofibromin 1; plus strand). Cytogenetic location: 17q11.2.
Variant type: single nucleotide variant.
Coding change: c.5402T>G on transcript NM_001042492.3 (MANE Select); coding-DNA position 5402, T replaced by G.
Protein change: p.Leu1801Ter; replaces leucine 1801 with a stop codon.
Molecular consequence: nonsense.
Genome position (GRCh38, 1-based): chr17:31,327,632, T>G. VCF-style: chr17-31327632-T-G. GRCh37 (hg19) VCF-style: chr17-29654650-T-G.
Other names: c.5339T>G, p.Leu1780Ter (NM_000267.4); short protein forms L1780*, L1801*.
Identifiers: ClinVar variation 1378893 (VCV001378893.7), dbSNP rs2151541233, ClinGen allele CA399009362.